The following is an entry in ClinVar:

ClinVar aggregate classification (germline): Uncertain significance (1 of 4 stars; one submission).

Conditions:
Inborn genetic diseases. Identifiers: MedGen C0950123, MeSH D030342.

Submission:

Ambry Genetics
Classification: Uncertain significance for Inborn genetic diseases. Last evaluated: 2026-02-17. Review status: criteria provided, single submitter. Criteria: Ambry Variant Classification Scheme 2023. Collection method: clinical testing. Allele origin: germline.
Comment: The p.A456G variant (also known as c.1367C>G), located in coding exon 5 of the MBD4 gene, results from a C to G substitution at nucleotide position 1367. The alanine at codon 456 is replaced by glycine, an amino acid with similar properties. This amino acid position is highly conserved in available vertebrate species. In addition, this alteration is predicted to be deleterious by in silico analysis. Based on the available evidence, the clinical significance of this variant remains unclear.

NM_001276270.2(MBD4):c.1367C>G (p.Ala456Gly)

Gene: MBD4 (methyl-CpG binding domain 4, DNA glycosylase; minus strand). Cytogenetic location: 3q21.3.
Variant type: single nucleotide variant.
Coding change: c.1367C>G on transcript NM_001276270.2 (MANE Select); coding-DNA position 1367, C replaced by G.
Protein change: p.Ala456Gly; replaces alanine 456 with glycine.
Molecular consequence: missense variant.
Genome position (GRCh38, 1-based): chr3:129,433,876, G>C on the plus strand (C>G on the coding strand, the complement: MBD4 is on the minus strand). VCF-style: chr3-129433876-G-C. GRCh37 (hg19) VCF-style: chr3-129152719-G-C.
Other names: c.1385C>G, p.Ala462Gly (NM_001276271.2, NM_001276272.2, NM_003925.3); c.431C>G, p.Ala144Gly (NM_001276273.2); short protein forms A144G, A456G, A462G.
Identifiers: ClinVar variation 4825703 (VCV004825703.1).
Genomic context (GRCh38, chr3:129,433,876, plus strand): 5'-TCTACTAAGACAAAGATGATAATAATCCCCAAACCTGAGGTCCGATTGAGAAATATAGTA[G>C]CGATGAGAAGCTTCCATGGATCATGAAAAAGTGTTTCTTGAACGAGATTAAAAGGTGACC-3'
Protein context (NP_001263199.1, residues 446-466): LFHDPWKLLI[Ala456Gly]TIFLNRTSGK